The following is an entry in ClinVar:

NM_000203.5(IDUA):c.882dup (p.Ile295fs)

Gene: IDUA (alpha-L-iduronidase; plus strand). Cytogenetic location: 4p16.3.
Variant type: Duplication.
Coding change: c.882dup on transcript NM_000203.5 (MANE Select); coding-DNA position 882, one base duplicated (C; older notation c.882dupC).
Protein change: p.Ile295fs; shifts the reading frame from isoleucine 295.
Molecular consequence: frameshift variant. On other transcripts: non-coding transcript variant (1).
Genome position (GRCh38, 1-based): chr4:1,002,071, C duplicated; the last of 5 consecutive C bases (chr4:1,002,067-1,002,071); duplicating any one gives the same sequence. VCF-style (leftmost placement, unchanged base first): chr4-1002066-A-AC. GRCh37 (hg19) VCF-style: chr4-995854-A-AC.
Other names: NM_000203.5(IDUA):c.882dup; p.Ile295fs; c.486dup, p.Ile163fs (NM_001363576.1); short protein forms I163fs, I295fs.
Identifiers: ClinVar variation 1076379 (VCV001076379.9), dbSNP rs2153022202, ClinGen allele CA2499217013.

ClinVar aggregate classification (germline): Pathogenic. Review status: reviewed by expert panel (3 of 4 stars). 2 submissions from 2 submitters: Pathogenic (1). 1 of the submissions does not count toward it. Last evaluated 2026-03-02.

Conditions:
Mucopolysaccharidosis type 1. Also called: IDUA deficiency; MPS I; Mucopolysaccharidosis Type I. Identifiers: Orphanet 579, MedGen C0023786, MONDO:0001586.

Submissions (2):

ClinGen Lysosomal Storage Disorder Variant Curation Expert Panel
Classification: Pathogenic for Mucopolysaccharidosis type 1. Last evaluated: 2026-03-02. Review status: reviewed by expert panel. Criteria: ClinGen LSD ACMG Specifications IDUA V1.2.0. Collection method: curation. Allele origin: germline. Inheritance: Autosomal recessive inheritance.
Comment: The NM_000203.5:c.882dupC (p.Ile295HisfsTer?) variant in IDUA is a frameshift variant predicted to cause a premature stop codon in biologically-relevant-exon 9 out of 14, leading to nonsense mediated decay in a gene in which loss-of-function is an established disease mechanism (PVS1). This variant is absent in gnomAD v4.1.0. (PM2_Supporting). This individual was compound heterozygous for the variant and c.713T>G (p.Leu238Arg) (ClinVarID: 2581619); the variants were confirmed to be in trans by parental testing PMID: 21480867). The allelic data for this patient will be used to support the classification of c.713T>G and is not included here in order to avoid circular logic (PM3 not met). There is a ClinVar entry for this variant (Variation ID: 1076379). In summary, this variant meets the criteria to be classified as pathogenic for MPS I based on the IDUA-specific ACMG/AMP criteria applied, as specified by the ClinGen Lysosomal Diseases Variant Curation Expert Panel (Specifications Version 1.2.0): PVS1; PM2_supporting; PP4_Moderate. (Classification approved by the ClinGen Lysosomal Diseases Variant Curation Expert Panel on March 2, 2026)

Labcorp Genetics (formerly Invitae), Labcorp
Classification: Pathogenic for Mucopolysaccharidosis type 1. Last evaluated: 2020-08-20. Review status: criteria provided, single submitter. Criteria: Invitae Variant Classification Sherloc (09022015). Collection method: clinical testing. Allele origin: germline. Not counted in ClinVar's aggregate classification.
Comment: This variant has been observed in individual(s) with mucopolysaccharidosis I (PMID: 21480867). For these reasons, this variant has been classified as Pathogenic. Loss-of-function variants in IDUA are known to be pathogenic (PMID: 11735025, 21480867). This variant is not present in population databases (ExAC no frequency). This sequence change creates a premature translational stop signal (p.Ile295Hisfs*104) in the IDUA gene. It is expected to result in an absent or disrupted protein product.

Literature cited by the submitters: PubMed 21480867 (cited by Labcorp Genetics (formerly Invitae), Labcorp); PubMed 11735025 (cited by Labcorp Genetics (formerly Invitae), Labcorp).